The following is an entry in ClinVar:

NM_134261.3(RORA):c.1397T>C (p.Ile466Thr)

Genes: RORA (RAR related orphan receptor A; minus strand), RORA-AS1 (RORA antisense RNA 1; plus strand). Cytogenetic location: 15q22.2.
Variant type: single nucleotide variant.
Coding change: c.1397T>C on transcript NM_134261.3 (MANE Select); coding-DNA position 1397, T replaced by C.
Protein change: p.Ile466Thr; replaces isoleucine 466 with threonine.
Molecular consequence: missense variant.
Genome position (GRCh38, 1-based): chr15:60,499,902, A>G on the plus strand (T>C on the coding strand, the complement: RORA is on the minus strand). VCF-style: chr15-60499902-A-G. GRCh37 (hg19) VCF-style: chr15-60792101-A-G.
Other names: c.1472T>C, p.Ile491Thr (NM_002943.4); c.1496T>C, p.Ile499Thr (NM_134260.3); c.1232T>C, p.Ile411Thr (NM_134262.3); short protein forms I411T, I466T, I491T, I499T.
Identifiers: ClinVar variation 1310499 (VCV001310499.2), dbSNP rs2141258552, ClinGen allele CA392667069.
Genomic context (GRCh38, chr15:60,499,902, plus strand): 5'-GTGCCAGGGGATAGTTCAGGCCATGCCAACTAGAAGCCTTTGGCACTCACCTTTGTTAGT[A>G]TTCCATCTTCTCGGTGATTCTTCTGTAGGACGTGTTGAAGAGCTAGCTGAATTTTCTGTT-3'
Protein context (NP_599023.1, residues 456-476): VLQKNHREDG[Ile466Thr]LTKLICKVST

ClinVar aggregate classification (germline): Uncertain significance (1 of 4 stars; one submission).

Allele frequency attached by ClinVar (database versions not stated): gnomAD exomes below 0.00001.
gnomAD v4.1: 1 of 1,595,848 alleles (0.000063%); highest among the groups gnomAD compares: Non-Finnish European, 0.000086%; no homozygotes.

Submission:

GeneDx
Classification: Uncertain significance. Last evaluated: 2019-12-03. Review status: criteria provided, single submitter. Criteria: GeneDx Variant Classification Process June 2021. Collection method: clinical testing. Allele origin: germline. Affected: yes.
Comment: Not observed in large population cohorts (Lek et al., 2016); In silico analysis, which includes protein predictors and evolutionary conservation, supports that this variant does not alter protein structure/function; Has not been previously published as pathogenic or benign to our knowledge